The following is an entry in ClinVar:

ClinVar aggregate classification (germline): Uncertain significance. Review status: criteria provided, multiple submitters, no conflicts (2 of 4 stars). 3 submissions from 3 submitters: Uncertain significance (3). Last evaluated 2024-05-03.

Conditions:
Kabuki syndrome 2 (KABUK2). Also called: KDM6A-Related Kabuki Syndrome. Identifiers: Orphanet 2322, MedGen C3275495, MONDO:0010465, OMIM 300867.

Allele frequency attached by ClinVar (database versions not stated): gnomAD exomes below 0.00001.
gnomAD v4.1: 4 of 1,210,449 alleles (0.00033%); highest among the groups gnomAD compares: South Asian, 0.0035%; no homozygotes.

Submissions (3):

Fulgent Genetics
Classification: Uncertain significance for Kabuki syndrome 2. Last evaluated: 2024-05-03. Review status: criteria provided, single submitter. Criteria: ACMG Guidelines, 2015. Collection method: clinical testing. Allele origin: germline.

Labcorp Genetics (formerly Invitae), Labcorp
Classification: Uncertain significance for Kabuki syndrome 2. Last evaluated: 2022-09-02. Review status: criteria provided, single submitter. Criteria: Invitae Variant Classification Sherloc (09022015). Collection method: clinical testing. Allele origin: germline.
Comment: This sequence change replaces glutamine, which is neutral and polar, with lysine, which is basic and polar, at codon 710 of the KDM6A protein (p.Gln710Lys). Algorithms developed to predict the effect of missense changes on protein structure and function are either unavailable or do not agree on the potential impact of this missense change (SIFT: "Deleterious"; PolyPhen-2: "Benign"; Align-GVGD: "Class C45"). In summary, the available evidence is currently insufficient to determine the role of this variant in disease. Therefore, it has been classified as a Variant of Uncertain Significance. This variant has not been reported in the literature in individuals affected with KDM6A-related conditions. This variant is present in population databases (no rsID available, gnomAD 0.01%), including at least one homozygous and/or hemizygous individual.

Centre of Medical Genetics, University Hospital Muenster
Classification: Uncertain significance. Last evaluated: 2021-12-08. Review status: criteria provided, single submitter. Criteria: ACMG Guidelines, 2015. Collection method: clinical testing. Allele origin: unknown. Affected: yes. Observed: 1 variant allele, 1 heterozygote.
Comment: ACMG categories: PM1,PM2,BP1

NM_001291415.2(KDM6A):c.2284C>A (p.Gln762Lys)

Gene: KDM6A (lysine demethylase 6A; plus strand). Cytogenetic location: Xp11.3.
Variant type: single nucleotide variant.
Coding change: c.2284C>A on transcript NM_001291415.2 (MANE Select); coding-DNA position 2284, C replaced by A.
Protein change: p.Gln762Lys; replaces glutamine 762 with lysine.
Molecular consequence: missense variant. On other transcripts: non-coding transcript variant (1).
Genome position (GRCh38, 1-based): chrX:45,069,783, C>A. VCF-style: chrX-45069783-C-A. GRCh37 (hg19) VCF-style: chrX-44929028-C-A.
Other names: c.2149C>A, p.Gln717Lys (NM_001291416.2); c.1993C>A, p.Gln665Lys (NM_001291417.2); c.1891C>A, p.Gln631Lys (NM_001291418.2); c.1240C>A, p.Gln414Lys (NM_001291421.2); c.2026C>A, p.Gln676Lys (NM_001410742.1); c.2128C>A, p.Gln710Lys (NM_021140.4); c.2128C>A (NM_021140.3); short protein forms Q414K, Q631K, Q665K, Q676K, Q710K, Q717K, Q762K.
Identifiers: ClinVar variation 1708359 (VCV001708359.8), dbSNP rs1358181248, ClinGen allele CA412793103.